The following is an entry in ClinVar:

ClinVar aggregate classification (germline): Uncertain significance. Review status: criteria provided, multiple submitters, no conflicts (2 of 4 stars). 4 submissions from 4 submitters: Uncertain significance (4). Last evaluated 2025-11-24.

Conditions:
Neuroblastoma, susceptibility to, 3. Also called: ALK-Related Neuroblastic Tumor Susceptibility. Identifiers: Orphanet 635, MedGen C2751681, MONDO:0013083, OMIM 613014.
Hereditary cancer-predisposing syndrome. Also called: Neoplastic Syndromes, Hereditary; Tumor predisposition; Hereditary Cancer Syndrome; Hereditary neoplastic syndrome. Identifiers: Orphanet 140162, MedGen C0027672, MeSH D009386, MONDO:0015356.

Allele frequency attached by ClinVar (database versions not stated): gnomAD 0.00001; gnomAD exomes 0.00001.
gnomAD v4.1: 9 of 1,613,898 alleles (0.00056%); highest among the groups gnomAD compares: African/African-American, 0.0013%; no homozygotes.

Submissions (4):

Labcorp Genetics (formerly Invitae), Labcorp
Classification: Uncertain significance for Neuroblastoma, susceptibility to, 3. Last evaluated: 2025-11-24. Review status: criteria provided, single submitter. Criteria: Invitae Variant Classification Sherloc (09022015). Collection method: clinical testing. Allele origin: germline.
Comment: This sequence change replaces arginine, which is basic and polar, with histidine, which is basic and polar, at codon 214 of the ALK protein (p.Arg214His). This variant is present in population databases (no rsID available, gnomAD 0.003%). This variant has not been reported in the literature in individuals affected with ALK-related conditions. ClinVar contains an entry for this variant (Variation ID: 538178). An algorithm developed to predict the effect of missense changes on protein structure and function (PolyPhen-2) suggests that this variant is likely to be disruptive. In summary, the available evidence is currently insufficient to determine the role of this variant in disease. Therefore, it has been classified as a Variant of Uncertain Significance.

Ambry Genetics
Classification: Uncertain significance for Hereditary cancer-predisposing syndrome. Last evaluated: 2025-01-21. Review status: criteria provided, single submitter. Criteria: Ambry Variant Classification Scheme 2023. Collection method: clinical testing. Allele origin: germline.
Comment: The p.R214H variant (also known as c.641G>A), located in coding exon 1 of the ALK gene, results from a G to A substitution at nucleotide position 641. The arginine at codon 214 is replaced by histidine, an amino acid with highly similar properties. This amino acid position is highly conserved in available vertebrate species. In addition, the in silico prediction for this alteration is inconclusive. Based on the available evidence, the clinical significance of this variant remains unclear.

Fulgent Genetics
Classification: Uncertain significance for Neuroblastoma, susceptibility to, 3. Last evaluated: 2024-05-23. Review status: criteria provided, single submitter. Criteria: ACMG Guidelines, 2015. Collection method: clinical testing. Allele origin: germline.

Baylor Genetics
Classification: Uncertain significance for Neuroblastoma, susceptibility to, 3. Last evaluated: 2024-01-03. Review status: criteria provided, single submitter. Criteria: ACMG Guidelines, 2015. Collection method: clinical testing. Allele origin: unknown.

NM_004304.5(ALK):c.641G>A (p.Arg214His)

Gene: ALK (ALK receptor tyrosine kinase; minus strand). Cytogenetic location: 2p23.1.
Variant type: single nucleotide variant.
Coding change: c.641G>A on transcript NM_004304.5 (MANE Select); coding-DNA position 641, G replaced by A.
Protein change: p.Arg214His; replaces arginine 214 with histidine.
Molecular consequence: missense variant.
Genome position (GRCh38, 1-based): chr2:29,920,019, C>T on the plus strand (G>A on the coding strand, the complement: ALK is on the minus strand). VCF-style: chr2-29920019-C-T. GRCh37 (hg19) VCF-style: chr2-30142885-C-T.
Other names: short protein forms R214H.
Identifiers: ClinVar variation 538178 (VCV000538178.14), dbSNP rs766999851, ClinGen allele CA346589633.